The following is an entry in ClinVar:

NM_024818.6(UBA5):c.871T>A (p.Phe291Ile)

Genes: NPHP3-ACAD11 (NPHP3-ACAD11 readthrough (NMD candidate); minus strand), UBA5 (ubiquitin like modifier activating enzyme 5; plus strand). Cytogenetic location: 3q22.1.
Variant type: single nucleotide variant.
Coding change: c.871T>A on transcript NM_024818.6 (MANE Select); coding-DNA position 871, T replaced by A.
Protein change: p.Phe291Ile; replaces phenylalanine 291 with isoleucine.
Molecular consequence: missense variant.
Genome position (GRCh38, 1-based): chr3:132,675,306, T>A. VCF-style: chr3-132675306-T-A. GRCh37 (hg19) VCF-style: chr3-132394150-T-A.
Other names: c.703T>A, p.Phe235Ile (NM_001320210.2, NM_198329.4); c.601T>A, p.Phe201Ile (NM_001321238.2); c.535T>A, p.Phe179Ile (NM_001321239.1); short protein forms F179I, F201I, F235I, F291I.
Identifiers: ClinVar variation 1715697 (VCV001715697.5), dbSNP rs2530346444, ClinGen allele CA354576166.

ClinVar aggregate classification (germline): Uncertain significance (1 of 4 stars; one submission).

Submission:

Labcorp Genetics (formerly Invitae), Labcorp
Classification: Uncertain significance. Last evaluated: 2022-08-08. Review status: criteria provided, single submitter. Criteria: Invitae Variant Classification Sherloc (09022015). Collection method: clinical testing. Allele origin: germline.
Comment: In summary, the available evidence is currently insufficient to determine the role of this variant in disease. Therefore, it has been classified as a Variant of Uncertain Significance. Algorithms developed to predict the effect of missense changes on protein structure and function are either unavailable or do not agree on the potential impact of this missense change (SIFT: "Not Available"; PolyPhen-2: "Benign"; Align-GVGD: "Not Available"). This variant has not been reported in the literature in individuals affected with UBA5-related conditions. This variant is not present in population databases (gnomAD no frequency). This sequence change replaces phenylalanine, which is neutral and non-polar, with isoleucine, which is neutral and non-polar, at codon 291 of the UBA5 protein (p.Phe291Ile).